The following is an entry in ClinVar:

ClinVar aggregate classification (germline): Likely benign. Review status: criteria provided, multiple submitters, no conflicts (2 of 4 stars). 2 submissions from 2 submitters: Likely benign (2). Last evaluated 2026-03-01.

Allele frequency attached by ClinVar (database versions not stated): gnomAD 0.00001; gnomAD exomes 0.00001; ExAC 0.00003; 1000 Genomes Project 30x 0.00047.
gnomAD v4.1: 19 of 1,582,024 alleles (0.0012%); highest among the groups gnomAD compares: Middle Eastern, 0.017%; 1 homozygote.

Submissions (2):

CeGaT Center for Human Genetics Tuebingen
Classification: Likely benign. Last evaluated: 2026-03-01. Review status: criteria provided, single submitter. Criteria: CeGaT Center For Human Genetics Tuebingen Variant Classification Criteria Version 2. Collection method: clinical testing. Allele origin: germline. Affected: yes. Observed: 1 variant allele.
Comment: ABCC8: BP4, BP7

Labcorp Genetics (formerly Invitae), Labcorp
Classification: Likely benign. Last evaluated: 2026-01-14. Review status: criteria provided, single submitter. Criteria: Invitae Variant Classification Sherloc (09022015). Collection method: clinical testing. Allele origin: germline.

NM_000352.6(ABCC8):c.4191G>A (p.Thr1397=)

Gene: ABCC8 (ATP binding cassette subfamily C member 8; minus strand). Cytogenetic location: 11p15.1.
Variant type: single nucleotide variant.
Coding change: c.4191G>A on transcript NM_000352.6 (MANE Select); coding-DNA position 4191, G replaced by A.
Protein change: p.Thr1397=; no amino-acid change (threonine 1397 retained).
Molecular consequence: synonymous variant. On other transcripts: non-coding transcript variant (1).
Genome position (GRCh38, 1-based): chr11:17,395,859, C>T on the plus strand (G>A on the coding strand, the complement: ABCC8 is on the minus strand). VCF-style: chr11-17395859-C-T. GRCh37 (hg19) VCF-style: chr11-17417406-C-T.
Other names: c.4194G>A, p.Thr1398= (NM_001287174.3); c.4257G>A, p.Thr1419= (NM_001351295.2); c.4191G>A, p.Thr1397= (NM_001351296.2); c.4188G>A, p.Thr1396= (NM_001351297.2).
Identifiers: ClinVar variation 1154885 (VCV001154885.13), dbSNP rs758767782, ClinGen allele CA5902544.